The following is an entry in ClinVar:

NM_000104.4(CYP1B1):c.2T>C (p.Met1Thr)

Gene: CYP1B1 (cytochrome P450 family 1 subfamily B member 1; minus strand). Cytogenetic location: 2p22.2.
Variant type: single nucleotide variant.
Coding change: c.2T>C on transcript NM_000104.4 (MANE Select); coding-DNA position 2, T replaced by C.
Protein change: p.Met1Thr; changes the start codon (methionine 1).
Molecular consequence: missense variant, initiator codon variant.
Genome position (GRCh38, 1-based): chr2:38,075,387, A>G on the plus strand (T>C on the coding strand, the complement: CYP1B1 is on the minus strand). VCF-style: chr2-38075387-A-G. GRCh37 (hg19) VCF-style: chr2-38302530-A-G.
Other names: NM_000104.4(CYP1B1):c.2T>C; p.Met1Thr; c.2T>C (NM_000104.3); short protein forms M1T.
Identifiers: ClinVar variation 7736 (VCV000007736.6), dbSNP rs72549389, ClinGen allele CA119012.

ClinVar aggregate classification (germline): Pathogenic. Review status: reviewed by expert panel (3 of 4 stars). 4 submissions from 4 submitters: Pathogenic (1). 3 of the submissions do not count toward it. Last evaluated 2025-11-19.

Conditions:
Congenital glaucoma. Identifiers: MedGen C0020302, MONDO:0020366.
CYP1B1-related glaucoma with or without anterior segment dysgenesis. Identifiers: MedGen CN375931, MONDO:0800472.
Anterior segment dysgenesis 6 (ASGD6). Also called: Anterior segment dysgenesis 6, multiple subtypes. Identifiers: MedGen C4310623, MONDO:0015016, OMIM 617315.
Primary congenital glaucoma. Also called: Primary congenital glaucoma (disease). Identifiers: MedGen C1533041, MONDO:0000365, HP:0008007.

Allele frequency attached by ClinVar (database versions not stated): gnomAD exomes below 0.00001 and 0.00001; TOPMed below 0.00001; ExAC 0.00001.

Submissions (4):

ClinGen Glaucoma Variant Curation Expert Panel
Classification: Pathogenic for CYP1B1-related glaucoma with or without anterior segment dysgenesis. Last evaluated: 2025-11-19. Review status: reviewed by expert panel. Criteria: ClinGen CYP1B1 ACMG Specifications V1 Approved. Collection method: curation. Allele origin: germline. Inheritance: Autosomal recessive inheritance.
Comment: The c.2T>C variant in CYP1B1 is an initiation codon variant predicted to cause substitution of Methionine by Threonine at amino acid 1 (p.Met1Thr). This initiation codon variant met PVS1_Moderate. The highest minor allele frequency of this variant was in the European (non-Finnish) genetic ancestry group of gnomAD (v4.1) = 0.000005085 (6 alleles out of 1,179,926), which met the ≤ 0.0005 threshold set for PM2_Supporting in a genetic ancestry group of at least 2,000 alleles. There was no functional evidence predicting a damaging or benign impact of this variant on CYP1B1 function. 1 affected segregation with a CYP1B1-related phenotype has been reported (PMID: 21168818), which fulfilled PP1. This variant has been identified in 6 individuals with a CYP1B1-related phenotype. 3 individuals are compound heterozygous for the variant and a pathogenic or likely pathogenic variant (confirmed in trans) = 3 points (PMIDs: 16735991, 21168818). 1 individual is compound heterozygous for the variant and a variant of uncertain significance (confirmed in trans) = 0.25 points (PMID: 21815720). Total proband points = 4, meeting PM3_Very strong. In summary, this variant met the criteria to receive a score of 12 and to be classified as pathogenic (pathogenic classification ≥ 10, adapted from PMID: 32720330) for CYP1B1-related glaucoma with or without anterior segment dysgenesis (ASD) based on the ACMG/AMP criteria met, as specified by the ClinGen Glaucoma VCEP (v1.0, 06.11.2025): PM3_Very-Strong, PVS1_Moderate, PP1, PM2_Supporting

Labcorp Genetics (formerly Invitae), Labcorp
Classification: Pathogenic for Congenital glaucoma. Last evaluated: 2023-09-28. Review status: criteria provided, single submitter. Criteria: Invitae Variant Classification Sherloc (09022015). Collection method: clinical testing. Allele origin: germline. Not counted in ClinVar's aggregate classification.
Comment: This sequence change affects the initiator methionine of the CYP1B1 mRNA. The next in-frame methionine is located at codon 132. The frequency data for this variant in the population databases is considered unreliable, as metrics indicate poor data quality at this position in the gnomAD database. Disruption of the initiator codon has been observed in individual(s) with primary congenital glaucoma (PMID: 11403040). In at least one individual the data is consistent with being in trans (on the opposite chromosome) from a pathogenic variant. ClinVar contains an entry for this variant (Variation ID: 7736). This variant disrupts a region of the CYP1B1 protein in which other variant(s) (p.Gly61Glu) have been determined to be pathogenic (PMID: 9463332, 12372064, 19234632). This suggests that this is a clinically significant region of the protein, and that variants that disrupt it are likely to be disease-causing. For these reasons, this variant has been classified as Pathogenic.

Women's Health and Genetics/Laboratory Corporation of America, LabCorp
Classification: Likely pathogenic for Primary congenital glaucoma. Last evaluated: 2023-02-16. Review status: criteria provided, single submitter. Criteria: LabCorp Variant Classification Summary - May 2015. Collection method: clinical testing. Allele origin: germline. Not counted in ClinVar's aggregate classification.
Comment: Variant summary: CYP1B1 c.2T>C (p.Met1?, p.Met1Thr) alters the initiation codon and is predicted to result either in absence of the protein or truncation of the encoded protein due to translation initiation at a downstream codon. The next potential downstream in-frame start codon (ATG) is located in exon 2 at Met151, however several truncations have been reported upstream of this position (HGMD). Three of three in-silico tools predict a damaging effect of the variant on protein function. The variant allele was found at a frequency of 4.1e-06 in 245460 control chromosomes (gnomAD). c.2T>C has been reported in the literature in compound heterozygous and homozygous individuals affected with Primary Congenital Glaucoma (Vincent_2001, Geyer_2010, Al-Haddad_2014). These data indicate that the variant is likely to be associated with disease. To our knowledge, no experimental evidence demonstrating an impact on protein function has been reported. No clinical diagnostic laboratories have submitted clinical-significance assessments for this variant to ClinVar after 2014. Based on the evidence outlined above, the variant was classified as likely pathogenic.

OMIM
Classification: Pathogenic for ANTERIOR SEGMENT DYSGENESIS 6, PETERS ANOMALY SUBTYPE. Last evaluated: 2001-05-01. Review status: no assertion criteria provided. Collection method: literature only. Allele origin: germline. Not counted in ClinVar's aggregate classification.

Literature cited by the submitters: PubMed 11403040 (cited by 3 submitters); PubMed 9463332 (cited by Labcorp Genetics (formerly Invitae), Labcorp); PubMed 12372064 (cited by Labcorp Genetics (formerly Invitae), Labcorp); PubMed 19234632 (cited by Labcorp Genetics (formerly Invitae), Labcorp); PubMed 19204079 (cited by Women's Health and Genetics/Laboratory Corporation of America, LabCorp); PubMed 24940937 (cited by Women's Health and Genetics/Laboratory Corporation of America, LabCorp); PubMed 21168818 (cited by Women's Health and Genetics/Laboratory Corporation of America, LabCorp); PubMed 12036985 (cited by Women's Health and Genetics/Laboratory Corporation of America, LabCorp).